The following is an entry in ClinVar:

NM_025114.4(CEP290):c.1069A>C (p.Ile357Leu)

Gene: CEP290 (centrosomal protein 290; minus strand). Cytogenetic location: 12q21.32.
Variant type: single nucleotide variant.
Coding change: c.1069A>C on transcript NM_025114.4 (MANE Select); coding-DNA position 1069, A replaced by C.
Protein change: p.Ile357Leu; replaces isoleucine 357 with leucine.
Molecular consequence: missense variant.
Genome position (GRCh38, 1-based): chr12:88,125,366, T>G on the plus strand (A>C on the coding strand, the complement: CEP290 is on the minus strand). VCF-style: chr12-88125366-T-G. GRCh37 (hg19) VCF-style: chr12-88519143-T-G.
Other names: short protein forms I357L.
Identifiers: ClinVar variation 1481001 (VCV001481001.8), dbSNP rs2138003595, ClinGen allele CA385981569.

ClinVar aggregate classification (germline): Uncertain significance (1 of 4 stars; one submission).

Conditions:
Nephronophthisis. Also called: Juvenile Nephronophthisis. Identifiers: Orphanet 655, MedGen C0687120, MONDO:0019005, HP:0000090.
Meckel-Gruber syndrome. Also called: DYSENCEPHALIA SPLANCHNOCYSTICA; GRUBER SYNDROME; Dysencephalia splachnocystica. Identifiers: Orphanet 564, MedGen C0265215, MONDO:0018921.
Joubert syndrome. Also called: CEREBELLOPARENCHYMAL DISORDER IV; JOUBERT-BOLTSHAUSER SYNDROME; Familial aplasia of the vermis. Identifiers: Orphanet 475, MedGen C5979921, MONDO:0018772.

Allele frequency attached by ClinVar (database versions not stated): gnomAD exomes below 0.00001.
gnomAD v4.1: 4 of 1,289,608 alleles (0.00031%); highest among the groups gnomAD compares: Non-Finnish European, 0.0003%; no homozygotes.

Submission:

Labcorp Genetics (formerly Invitae), Labcorp
Classification: Uncertain significance for Joubert syndrome; Meckel-Gruber syndrome; Nephronophthisis. Last evaluated: 2021-01-30. Review status: criteria provided, single submitter. Criteria: Invitae Variant Classification Sherloc (09022015). Collection method: clinical testing. Allele origin: germline.
Comment: This sequence change replaces isoleucine with leucine at codon 357 of the CEP290 protein (p.Ile357Leu). The isoleucine residue is moderately conserved and there is a small physicochemical difference between isoleucine and leucine. In summary, the available evidence is currently insufficient to determine the role of this variant in disease. Therefore, it has been classified as a Variant of Uncertain Significance. Algorithms developed to predict the effect of missense changes on protein structure and function output the following: SIFT: "Tolerated"; PolyPhen-2: "Benign"; Align-GVGD: "Class C0". The leucine amino acid residue is found in multiple mammalian species, suggesting that this missense change does not adversely affect protein function. These predictions have not been confirmed by published functional studies and their clinical significance is uncertain. This variant has not been reported in the literature in individuals with CEP290-related conditions. This variant is not present in population databases (ExAC no frequency).